The following is an entry in ClinVar:

ClinVar aggregate classification (germline): Uncertain significance (1 of 4 stars; one submission).

Submission:

GeneDx
Classification: Uncertain significance. Last evaluated: 2019-09-12. Review status: criteria provided, single submitter. Criteria: GeneDx Variant Classification Process June 2021. Collection method: clinical testing. Allele origin: germline. Affected: yes.
Comment: Not observed in large population cohorts (Lek et al., 2016); In silico analysis, which includes protein predictors and evolutionary conservation, supports a deleterious effect; Has not been previously published as pathogenic or benign to our knowledge

NM_001348323.3(TRIP12):c.2156T>C (p.Val719Ala)

Gene: TRIP12 (thyroid hormone receptor interactor 12; minus strand). Cytogenetic location: 2q36.3.
Variant type: single nucleotide variant.
Coding change: c.2156T>C on transcript NM_001348323.3 (MANE Select); coding-DNA position 2156, T replaced by C.
Protein change: p.Val719Ala; replaces valine 719 with alanine.
Molecular consequence: missense variant.
Genome position (GRCh38, 1-based): chr2:229,810,945, A>G on the plus strand (T>C on the coding strand, the complement: TRIP12 is on the minus strand). VCF-style: chr2-229810945-A-G. GRCh37 (hg19) VCF-style: chr2-230675661-A-G.
Other names: c.2156T>C, p.Val719Ala (NM_001284214.2, NM_001348315.2, NM_001348319.1 and 11 more transcripts); c.2030T>C, p.Val677Ala (NM_001284215.2, NM_001348316.2, NM_001348317.1 and 2 more transcripts); c.1121T>C, p.Val374Ala (NM_001284216.2); c.2069T>C, p.Val690Ala (NM_001348332.1); c.2012T>C, p.Val671Ala (NM_004238.3); short protein forms V374A, V671A, V677A, V690A, V719A.
Identifiers: ClinVar variation 1304024 (VCV001304024.2), dbSNP rs2154278558, ClinGen allele CA350919352.
Genomic context (GRCh38, chr2:229,810,945, plus strand): 5'-TTCATAAGTTGAACAGCTAAAGTTGGACAGTTGGAACACATCAGAGAAAACATGCGAACC[A>G]CCATTATAAACATCCCAGAACTTAAAATGGGTGGAGTCACTACCAACAGCTGTTGAACAT-3'
Protein context (NP_001335252.1, residues 709-729): PILSSGMFIM[Val719Ala]VRMFSLMCSN